The following is an entry in ClinVar:

ClinVar aggregate classification (germline): Uncertain significance. Review status: criteria provided, multiple submitters, no conflicts (2 of 4 stars). 2 submissions from 2 submitters: Uncertain significance (2). Last evaluated 2025-08-02.

Conditions:
Baller-Gerold syndrome (BGS). Also called: CRANIOSYNOSTOSIS WITH RADIAL DEFECTS. Identifiers: Orphanet 1225, MedGen C0265308, MONDO:0009039, OMIM 218600.
Inborn genetic diseases. Identifiers: MedGen C0950123, MeSH D030342.

Allele frequency attached by ClinVar (database versions not stated): gnomAD exomes below 0.00001; TOPMed 0.00003.
gnomAD v4.1: 2 of 1,608,106 alleles (0.00012%); highest among the groups gnomAD compares: Admixed American, 0.0017%; no homozygotes.

Submissions (2):

Ambry Genetics
Classification: Uncertain significance for Inborn genetic diseases. Last evaluated: 2025-08-02. Review status: criteria provided, single submitter. Criteria: Ambry Variant Classification Scheme 2023. Collection method: clinical testing. Allele origin: germline.
Comment: The p.G79V variant (also known as c.236G>T), located in coding exon 4 of the RECQL4 gene, results from a G to T substitution at nucleotide position 236. The glycine at codon 79 is replaced by valine, an amino acid with dissimilar properties. This amino acid position is conserved. In addition, the in silico prediction for this alteration is inconclusive. Based on the available evidence, the clinical significance of this variant remains unclear.

Labcorp Genetics (formerly Invitae), Labcorp
Classification: Uncertain significance for Baller-Gerold syndrome. Last evaluated: 2022-06-27. Review status: criteria provided, single submitter. Criteria: Invitae Variant Classification Sherloc (09022015). Collection method: clinical testing. Allele origin: germline.
Comment: This sequence change replaces glycine with valine at codon 79 of the RECQL4 protein (p.Gly79Val). The glycine residue is highly conserved and there is a moderate physicochemical difference between glycine and valine. This variant is not present in population databases (gnomAD no frequency). This variant has not been reported in the literature in individuals affected with RECQL4-related conditions. ClinVar contains an entry for this variant (Variation ID: 958678). In summary, the available evidence is currently insufficient to determine the role of this variant in disease. Therefore, it has been classified as a Variant of Uncertain Significance.

NM_004260.4(RECQL4):c.236G>T (p.Gly79Val)

Gene: RECQL4 (RecQ like helicase 4; minus strand). Cytogenetic location: 8q24.3.
Variant type: single nucleotide variant.
Coding change: c.236G>T on transcript NM_004260.4 (MANE Select); coding-DNA position 236, G replaced by T.
Protein change: p.Gly79Val; replaces glycine 79 with valine.
Molecular consequence: missense variant.
Genome position (GRCh38, 1-based): chr8:144,517,168, C>A on the plus strand (G>T on the coding strand, the complement: RECQL4 is on the minus strand). VCF-style: chr8-144517168-C-A. GRCh37 (hg19) VCF-style: chr8-145742552-C-A.
Other names: short protein forms G79V.
Identifiers: ClinVar variation 958678 (VCV000958678.5), dbSNP rs1173220801, ClinGen allele CA372692311.